The following is an entry in ClinVar:

NM_001371623.1(TCOF1):c.2489C>G (p.Pro830Arg)

Gene: TCOF1 (treacle ribosome biogenesis factor 1; plus strand). Cytogenetic location: 5q32.
Variant type: single nucleotide variant.
Coding change: c.2489C>G on transcript NM_001371623.1 (MANE Select); coding-DNA position 2489, C replaced by G.
Protein change: p.Pro830Arg; replaces proline 830 with arginine.
Molecular consequence: missense variant.
Genome position (GRCh38, 1-based): chr5:150,379,239, C>G. VCF-style: chr5-150379239-C-G. GRCh37 (hg19) VCF-style: chr5-149758802-C-G.
Other names: c.2258C>G, p.Pro753Arg (NM_000356.4, NM_001135245.2); c.2489C>G, p.Pro830Arg (NM_001008657.3, NM_001135243.2, NM_001135244.2 and 1 more transcripts); c.2489C>G (NM_001135243.1); short protein forms P753R, P830R.
Identifiers: ClinVar variation 2153432 (VCV002153432.5), dbSNP rs745370119, ClinGen allele CA3511186.
Genomic context (GRCh38, chr5:150,379,239, plus strand): 5'-CTGAAAGGAATCACTTTTGCCTCCAATACTATTATCCCCCTGCAATTCAGGTGAAGCCAC[C>G]AGTGAGAAACCCCCAGAACAGTACCGTCTTGGCGAGGGGCCCAGCATCTGTGCCATCTGT-3'
Protein context (NP_001358552.1, residues 820-840): KQRSPSKVKP[Pro830Arg]VRNPQNSTVL

ClinVar aggregate classification (germline): Uncertain significance. Review status: criteria provided, multiple submitters, no conflicts (2 of 4 stars). 2 submissions from 2 submitters: Uncertain significance (2). Last evaluated 2025-05-19.

Conditions:
Treacher Collins syndrome 1 (TCS1). Also called: TCOF1-Related Treacher Collins Syndrome. Identifiers: Orphanet 861, MedGen CN315775, MONDO:0007944, OMIM 154500.

Allele frequency attached by ClinVar (database versions not stated): gnomAD 0.00008.
gnomAD v4.1: 21 of 1,614,092 alleles (0.0013%); highest among the groups gnomAD compares: Admixed American, 0.027%; no homozygotes.

Submissions (2):

GeneDx
Classification: Uncertain significance. Last evaluated: 2025-05-19. Review status: criteria provided, single submitter. Criteria: GeneDx Variant Classification Process June 2021. Collection method: clinical testing. Allele origin: germline. Affected: yes.
Comment: In silico analysis supports that this missense variant has a deleterious effect on protein structure/function; Has not been previously published as pathogenic or benign to our knowledge

Labcorp Genetics (formerly Invitae), Labcorp
Classification: Uncertain significance for Treacher Collins syndrome 1. Last evaluated: 2022-10-12. Review status: criteria provided, single submitter. Criteria: Invitae Variant Classification Sherloc (09022015). Collection method: clinical testing. Allele origin: germline.
Comment: This sequence change replaces proline, which is neutral and non-polar, with arginine, which is basic and polar, at codon 830 of the TCOF1 protein (p.Pro830Arg). This variant is present in population databases (rs745370119, gnomAD 0.02%). In summary, the available evidence is currently insufficient to determine the role of this variant in disease. Therefore, it has been classified as a Variant of Uncertain Significance. Advanced modeling of protein sequence and biophysical properties (such as structural, functional, and spatial information, amino acid conservation, physicochemical variation, residue mobility, and thermodynamic stability) has been performed at Invitae for this missense variant, however the output from this modeling did not meet the statistical confidence thresholds required to predict the impact of this variant on TCOF1 protein function. This variant has not been reported in the literature in individuals affected with TCOF1-related conditions.